The following is an entry in ClinVar:

NM_001369369.1(FOXN1):c.1192G>C (p.Gly398Arg)

Gene: FOXN1 (forkhead box N1; plus strand). Cytogenetic location: 17q11.2.
Variant type: single nucleotide variant.
Coding change: c.1192G>C on transcript NM_001369369.1 (MANE Select); coding-DNA position 1192, G replaced by C.
Protein change: p.Gly398Arg; replaces glycine 398 with arginine.
Molecular consequence: missense variant.
Genome position (GRCh38, 1-based): chr17:28,534,763, G>C. VCF-style: chr17-28534763-G-C. GRCh37 (hg19) VCF-style: chr17-26861781-G-C.
Other names: c.1192G>C, p.Gly398Arg (NM_003593.3); short protein forms G398R.
Identifiers: ClinVar variation 3719692 (VCV003719692.2).

ClinVar aggregate classification (germline): Uncertain significance (1 of 4 stars; one submission).

Conditions:
T-cell immunodeficiency, congenital alopecia, and nail dystrophy. Also called: Congenital alopecia and nail dystrophy associated with severe functional T-cell immunodeficiency; Pignata Guarino syndrome. Identifiers: Orphanet 169095, MedGen C1866426, MONDO:0011132, OMIM 601705.

Submission:

Labcorp Genetics (formerly Invitae), Labcorp
Classification: Uncertain significance for T-cell immunodeficiency, congenital alopecia, and nail dystrophy. Last evaluated: 2024-12-03. Review status: criteria provided, single submitter. Criteria: Invitae Variant Classification Sherloc (09022015). Collection method: clinical testing. Allele origin: germline.
Comment: This sequence change replaces glycine, which is neutral and non-polar, with arginine, which is basic and polar, at codon 398 of the FOXN1 protein (p.Gly398Arg). This variant is not present in population databases (gnomAD no frequency). This variant has not been reported in the literature in individuals affected with FOXN1-related conditions. Invitae Evidence Modeling of protein sequence and biophysical properties (such as structural, functional, and spatial information, amino acid conservation, physicochemical variation, residue mobility, and thermodynamic stability) indicates that this missense variant is not expected to disrupt FOXN1 protein function with a negative predictive value of 80%. In summary, the available evidence is currently insufficient to determine the role of this variant in disease. Therefore, it has been classified as a Variant of Uncertain Significance.